The following is an entry in ClinVar:

ClinVar aggregate classification (germline): Uncertain significance. Review status: criteria provided, multiple submitters, no conflicts (2 of 4 stars). 4 submissions from 4 submitters: Uncertain significance (4). Last evaluated 2024-10-08.

Conditions:
Cardiovascular phenotype. Identifiers: MedGen CN230736.
Hereditary cancer-predisposing syndrome. Also called: Neoplastic Syndromes, Hereditary; Hereditary neoplastic syndrome; Hereditary Cancer Syndrome; Tumor predisposition. Identifiers: Orphanet 140162, MedGen C0027672, MeSH D009386, MONDO:0015356.
Neurofibromatosis, type 1 (NF1). Also called: VON RECKLINGHAUSEN DISEASE; NEUROFIBROMATOSIS, TYPE I, SOMATIC; Peripheral type neurofibromatosis; Neurofibromatosis, type I. Identifiers: Orphanet 636, MedGen C0027831, MONDO:0018975, OMIM 162200. Disease mechanism: loss of function.

Allele frequency attached by ClinVar (database versions not stated): TOPMed 0.00001.

Submissions (4):

Ambry Genetics
Classification: Uncertain significance for Cardiovascular phenotype; Hereditary cancer-predisposing syndrome. Last evaluated: 2024-10-08. Review status: criteria provided, single submitter. Criteria: Ambry Variant Classification Scheme 2023. Collection method: clinical testing. Allele origin: germline.
Comment: The p.T1199A variant (also known as c.3595A>G), located in coding exon 27 of the NF1 gene, results from an A to G substitution at nucleotide position 3595. The threonine at codon 1199 is replaced by alanine, an amino acid with similar properties. This amino acid position is highly conserved in available vertebrate species. In addition, this alteration is predicted to be deleterious by in silico analysis. Based on the available evidence, the clinical significance of this variant remains unclear.

GeneDx
Classification: Uncertain significance. Last evaluated: 2024-08-27. Review status: criteria provided, single submitter. Criteria: GeneDx Variant Classification Process June 2021. Collection method: clinical testing. Allele origin: germline. Affected: yes.
Comment: Not observed at significant frequency in large population cohorts (gnomAD); In silico analysis supports that this missense variant has a deleterious effect on protein structure/function; Has not been previously published as pathogenic or benign to our knowledge; This variant is associated with the following publications: (PMID: 25486365, 2121369, 22807134)

Labcorp Genetics (formerly Invitae), Labcorp
Classification: Uncertain significance for Neurofibromatosis, type 1. Last evaluated: 2023-03-07. Review status: criteria provided, single submitter. Criteria: Invitae Variant Classification Sherloc (09022015). Collection method: clinical testing. Allele origin: germline.
Comment: In summary, the available evidence is currently insufficient to determine the role of this variant in disease. Therefore, it has been classified as a Variant of Uncertain Significance. Advanced modeling of protein sequence and biophysical properties (such as structural, functional, and spatial information, amino acid conservation, physicochemical variation, residue mobility, and thermodynamic stability) performed at Invitae indicates that this missense variant is expected to disrupt NF1 protein function. ClinVar contains an entry for this variant (Variation ID: 655052). This variant has not been reported in the literature in individuals affected with NF1-related conditions. This variant is not present in population databases (gnomAD no frequency). This sequence change replaces threonine, which is neutral and polar, with alanine, which is neutral and non-polar, at codon 1199 of the NF1 protein (p.Thr1199Ala).

Genome-Nilou Lab
Classification: Uncertain significance for Neurofibromatosis, type 1. Last evaluated: 2022-03-15. Review status: criteria provided, single submitter. Criteria: ACMG Guidelines, 2015. Collection method: clinical testing. Allele origin: germline. Affected: no.

NM_001042492.3(NF1):c.3595A>G (p.Thr1199Ala)

Gene: NF1 (neurofibromin 1; plus strand). Cytogenetic location: 17q11.2.
Variant type: single nucleotide variant.
Coding change: c.3595A>G on transcript NM_001042492.3 (MANE Select); coding-DNA position 3595, A replaced by G.
Protein change: p.Thr1199Ala; replaces threonine 1199 with alanine.
Molecular consequence: missense variant.
Genome position (GRCh38, 1-based): chr17:31,233,100, A>G. VCF-style: chr17-31233100-A-G. GRCh37 (hg19) VCF-style: chr17-29560118-A-G.
Other names: c.3595A>G, p.Thr1199Ala (NM_000267.4); short protein forms T1199A.
Identifiers: ClinVar variation 655052 (VCV000655052.10), dbSNP rs1453504440, ClinGen allele CA398990237.